The following is an entry in ClinVar:

NM_001023570.4(IQCB1):c.823dup (p.Arg275fs)

Gene: IQCB1 (IQ motif containing B1; minus strand). Cytogenetic location: 3q13.33.
Variant type: Duplication.
Coding change: c.823dup on transcript NM_001023570.4 (MANE Select); coding-DNA position 823, one base duplicated (A; older notation c.823dupA).
Protein change: p.Arg275fs; shifts the reading frame from arginine 275.
Molecular consequence: frameshift variant. On other transcripts: non-coding transcript variant (1), intron variant (1).
Genome position (GRCh38, 1-based): chr3:121,797,171, T duplicated on the plus strand (A on the coding strand, the reverse complement: IQCB1 is on the minus strand). VCF-style (leftmost placement, unchanged base first): chr3-121797170-C-CT. GRCh37 (hg19) VCF-style: chr3-121516017-C-CT.
Other names: c.823dup, p.Arg275fs (NM_001319107.2); c.588-6956dup (NM_001023571.4); short protein forms R275fs.
Identifiers: ClinVar variation 2767832 (VCV002767832.3), dbSNP rs2472427053, ClinGen allele CA2697556798.

ClinVar aggregate classification (germline): Pathogenic (1 of 4 stars; one submission).

Conditions:
Nephronophthisis. Also called: Juvenile Nephronophthisis. Identifiers: Orphanet 655, MedGen C0687120, MONDO:0019005, HP:0000090.

Submission:

Labcorp Genetics (formerly Invitae), Labcorp
Classification: Pathogenic for Nephronophthisis. Last evaluated: 2024-01-04. Review status: criteria provided, single submitter. Criteria: Invitae Variant Classification Sherloc (09022015). Collection method: clinical testing. Allele origin: germline.
Comment: This sequence change creates a premature translational stop signal (p.Arg275Lysfs*67) in the IQCB1 gene. It is expected to result in an absent or disrupted protein product. Loss-of-function variants in IQCB1 are known to be pathogenic (PMID: 15723066, 21901789, 23559409, 28041643). This variant is not present in population databases (gnomAD no frequency). This variant has not been reported in the literature in individuals affected with IQCB1-related conditions. For these reasons, this variant has been classified as Pathogenic.

Literature cited by the submitters: PubMed 15723066; PubMed 21901789; PubMed 23559409; PubMed 28041643.